The following is an entry in ClinVar:

NM_006005.3(WFS1):c.1201C>T (p.His401Tyr)

Gene: WFS1 (wolframin ER transmembrane glycoprotein; plus strand). Cytogenetic location: 4p16.1.
Variant type: single nucleotide variant.
Coding change: c.1201C>T on transcript NM_006005.3 (MANE Select); coding-DNA position 1201, C replaced by T.
Protein change: p.His401Tyr; replaces histidine 401 with tyrosine.
Molecular consequence: missense variant.
Genome position (GRCh38, 1-based): chr4:6,300,996, C>T. VCF-style: chr4-6300996-C-T. GRCh37 (hg19) VCF-style: chr4-6302723-C-T.
Other names: c.1201C>T, p.His401Tyr (NM_001145853.1); short protein forms H401Y.
Identifiers: ClinVar variation 2134530 (VCV002134530.4), dbSNP rs1187779864, ClinGen allele CA356174452.

ClinVar aggregate classification (germline): Uncertain significance (1 of 4 stars; one submission).

Submission:

Labcorp Genetics (formerly Invitae), Labcorp
Classification: Uncertain significance. Last evaluated: 2023-08-30. Review status: criteria provided, single submitter. Criteria: Invitae Variant Classification Sherloc (09022015). Collection method: clinical testing. Allele origin: germline.
Comment: This sequence change replaces histidine, which is basic and polar, with tyrosine, which is neutral and polar, at codon 401 of the WFS1 protein (p.His401Tyr). This variant is not present in population databases (gnomAD no frequency). This variant has not been reported in the literature in individuals affected with WFS1-related conditions. ClinVar contains an entry for this variant (Variation ID: 2134530). Advanced modeling of protein sequence and biophysical properties (such as structural, functional, and spatial information, amino acid conservation, physicochemical variation, residue mobility, and thermodynamic stability) has been performed at Invitae for this missense variant, however the output from this modeling did not meet the statistical confidence thresholds required to predict the impact of this variant on WFS1 protein function. In summary, the available evidence is currently insufficient to determine the role of this variant in disease. Therefore, it has been classified as a Variant of Uncertain Significance.